The following is an entry in ClinVar:

ClinVar aggregate classification (germline): Pathogenic (1 of 4 stars; one submission).

Submission:

Labcorp Genetics (formerly Invitae), Labcorp
Classification: Pathogenic. Last evaluated: 2022-12-17. Review status: criteria provided, single submitter. Criteria: Invitae Variant Classification Sherloc (09022015). Collection method: clinical testing. Allele origin: germline.
Comment: This sequence change creates a premature translational stop signal (p.Ser15Phefs*21) in the ASNS gene. It is expected to result in an absent or disrupted protein product. Loss-of-function variants in ASNS are known to be pathogenic (PMID: 27422383, 30057589). For these reasons, this variant has been classified as Pathogenic. Algorithms developed to predict the effect of sequence changes on RNA splicing suggest that this variant may create or strengthen a splice site. This variant has not been reported in the literature in individuals affected with ASNS-related conditions. This variant is not present in population databases (gnomAD no frequency).

Literature cited by the submitters: PubMed 27422383; PubMed 30057589.

NM_001673.5(ASNS):c.43dup (p.Ser15fs)

Genes: ASNS (asparagine synthetase (glutamine-hydrolyzing); minus strand), CZ1P-ASNS (CZ1P-ASNS readthrough; minus strand). Cytogenetic location: 7q21.3.
Variant type: Duplication.
Coding change: c.43dup on transcript NM_001673.5 (MANE Select); coding-DNA position 43, one base duplicated (T; older notation c.43dupT).
Protein change: p.Ser15fs; shifts the reading frame from serine 15.
Molecular consequence: frameshift variant. On other transcripts: non-coding transcript variant (1), intron variant (3).
Genome position (GRCh38, 1-based): chr7:97,869,114, A duplicated on the plus strand (T on the coding strand, the reverse complement: ASNS is on the minus strand); the first of 3 consecutive A bases (chr7:97,869,114-97,869,116); duplicating any one gives the same sequence. VCF-style (leftmost placement, unchanged base first): chr7-97869113-G-GA. GRCh37 (hg19) VCF-style: chr7-97498425-G-GA.
Other names: c.43dup, p.Ser15fs (NM_001352496.2, NM_133436.3, NM_183356.4); c.-1+3237dup (NM_001178076.2); c.-12-9dup (NM_001178075.2); c.-1+2927dup (NM_001178077.1); short protein forms S15fs.
Identifiers: ClinVar variation 2821836 (VCV002821836.3), dbSNP rs2484698591, ClinGen allele CA2739278614.